The following is an entry in ClinVar:

ClinVar aggregate classification (germline): Likely benign. Review status: criteria provided, multiple submitters, no conflicts (2 of 4 stars). 2 submissions from 2 submitters: Likely benign (2). Last evaluated 2026-05-16.

Conditions:
Amyotrophic lateral sclerosis type 21. Also called: MYOPATHY, DISTAL, 2; VOCAL CORD AND PHARYNGEAL DYSFUNCTION WITH DISTAL MYOPATHY. Identifiers: Orphanet 600, Orphanet 803, MedGen C3807521, MONDO:0011632, OMIM 606070.
MATR3-related disorder. Also called: MATR3-related condition.

gnomAD v4.1: 1 of 1,613,870 alleles (0.000062%); highest among the groups gnomAD compares: Admixed American, 0.0017%; no homozygotes.

Submissions (2):

PreventionGenetics, part of Exact Sciences
Classification: Likely benign for MATR3-related condition. Last evaluated: 2026-05-16. Review status: criteria provided, single submitter. Criteria: ACMG Guidelines, 2015. Collection method: clinical testing. Allele origin: germline.
Comment: This variant is classified as likely benign based on ACMG/AMP sequence variant interpretation guidelines (Richards et al. 2015 PMID: 25741868, with internal and published modifications).

Labcorp Genetics (formerly Invitae), Labcorp
Classification: Likely benign for Amyotrophic lateral sclerosis type 21. Last evaluated: 2022-08-20. Review status: criteria provided, single submitter. Criteria: Invitae Variant Classification Sherloc (09022015). Collection method: clinical testing. Allele origin: germline.

NM_018834.6(MATR3):c.1668C>T (p.Ala556=)

Gene: MATR3 (matrin 3; plus strand). Cytogenetic location: 5q31.2.
Variant type: single nucleotide variant.
Coding change: c.1668C>T on transcript NM_018834.6 (MANE Select); coding-DNA position 1668, C replaced by T.
Protein change: p.Ala556=; no amino-acid change (alanine 556 retained).
Molecular consequence: synonymous variant.
Genome position (GRCh38, 1-based): chr5:139,321,963, C>T. VCF-style: chr5-139321963-C-T. GRCh37 (hg19) VCF-style: chr5-138657652-C-T.
Other names: c.1668C>T, p.Ala556= (NM_001194954.2, NM_001194955.2, NM_001400441.1 and 16 more transcripts); c.804C>T, p.Ala268= (NM_001194956.2); c.654C>T, p.Ala218= (NM_001282278.2, NM_001400460.1, NM_001400462.1 and 5 more transcripts); c.807C>T, p.Ala269= (NM_001400459.1); c.768C>T, p.Ala256= (NM_001400461.1); c.1668C>T (NM_199189.2).
Identifiers: ClinVar variation 2145000 (VCV002145000.5), dbSNP rs1299483173, ClinGen allele CA446606468.
Genomic context (GRCh38, chr5:139,321,963, plus strand): 5'-TATTGAGATGGAGACAAGAGAAGATGCAATGGCAATGGTTGACCATTGTTTGAAAAAAGC[C>T]CTTTGGTTTCAGGGGAGATGTGTGAAGGTTGACCTGTCTGAGAAATATAAAAAACTGGTT-3'
Protein context (NP_061322.2, residues 546-566): MAMVDHCLKK[Ala556=]LWFQGRCVKV